The following is an entry in ClinVar:

ClinVar aggregate classification (germline): Conflicting classifications of pathogenicity. Review status: criteria provided, conflicting classifications (1 of 4 stars). 9 submissions from 9 submitters: Uncertain significance (6); Likely benign (1). 2 of the submissions do not count toward it. Last evaluated 2026-09-09.

Conditions:
Hematuria, benign familial, 2 (BFH2). Identifiers: MedGen C5830421, MONDO:0958186, OMIM 620320.
Alport syndrome 3b, autosomal recessive. Identifiers: MedGen C5882699, MONDO:0957811, OMIM 620536.
Autosomal dominant Alport syndrome (ATS3A). Also called: ALPORT SYNDROME 3A, AUTOSOMAL DOMINANT; Alport syndrome dominant type; Renal failure and sensorineural hearing loss. Identifiers: Orphanet 63, Orphanet 88918, MedGen C5882663, MONDO:0007086, OMIM 104200.
Alport syndrome. Also called: Hemorrhagic familial nephritis; Hemorrhagic hereditary nephritis; Congenital hereditary hematuria. Identifiers: Orphanet 63, MedGen C1567741, MONDO:0018965.
COL4A3-related disorder. Also called: COL4A3-related condition; COL4A3-Related Disorders.

Allele frequency attached by ClinVar (database versions not stated): gnomAD exomes 0.00001 and 0.00003; ExAC 0.00007; ESP Exome Variant Server 0.00017; 1000 Genomes Project 0.00020; gnomAD 0.00021 and 0.00024; TOPMed 0.00021; 1000 Genomes Project 30x 0.00031.
gnomAD v4.1: 54 of 1,610,284 alleles (0.0034%); highest among the groups gnomAD compares: African/African-American, 0.057%; no homozygotes.

Submissions (9):

GeneDx
Classification: Uncertain significance. Last evaluated: 2026-09-09. Review status: criteria provided, single submitter. Criteria: GeneDx Variant Classification Process June 2021. Collection method: clinical testing. Allele origin: germline.
Comment: Observed in a patient with focal segmental glomerulosclerosis in published literature; however this patient was also noted to carry APOL1 risk alleles (PMID: 31027891); In silico analysis supports that this missense variant has a deleterious effect on protein structure/function; Occurs in the triple helical domain at the X position in the canonical Gly-X-Y repeat; although this variant may have an effect on normal protein folding and function, missense substitution at the X position is not a common mechanism of disease; This variant is associated with the following publications: (PMID: 31027891, 38972501)

Labcorp Genetics (formerly Invitae), Labcorp
Classification: Likely benign. Last evaluated: 2025-12-17. Review status: criteria provided, single submitter. Criteria: Invitae Variant Classification Sherloc (09022015). Collection method: clinical testing. Allele origin: germline.

PreventionGenetics, part of Exact Sciences
Classification: Uncertain significance for COL4A3-related condition. Last evaluated: 2025-08-19. Review status: criteria provided, single submitter. Criteria: ACMG Guidelines, 2015. Collection method: clinical testing. Allele origin: germline.
Comment: The COL4A3 c.221C>T variant is predicted to result in the amino acid substitution p.Pro74Leu. This variant was reported in an individual with end-stage renal disease (Table S4, Ottlewski et al. 2019. PubMed ID: 31027891). This variant is reported in 0.060% of alleles in individuals of African descent in gnomAD. Although we suspect that this variant may be benign, at this time, the clinical significance of this variant is uncertain due to the absence of conclusive functional and genetic evidence.

Fulgent Genetics
Classification: Uncertain significance for Autosomal dominant Alport syndrome; Hematuria, benign familial, 2; Alport syndrome 3b, autosomal recessive. Last evaluated: 2024-02-05. Review status: criteria provided, single submitter. Criteria: ACMG Guidelines, 2015. Collection method: clinical testing. Allele origin: germline.

Revvity Omics, Revvity
Classification: Uncertain significance. Last evaluated: 2023-04-07. Review status: criteria provided, single submitter. Criteria: ACMG Guidelines, 2015. Collection method: clinical testing. Allele origin: germline.

Institute of Human Genetics, University of Leipzig Medical Center
Classification: Uncertain significance for Autosomal dominant Alport syndrome. Last evaluated: 2018-08-07. Review status: criteria provided, single submitter. Criteria: ACMG Guidelines, 2015. Collection method: clinical testing. Allele origin: germline. Affected: yes. Observed: 1 variant allele.

Illumina Laboratory Services, Illumina
Classification: Uncertain significance for Alport syndrome. Last evaluated: 2018-01-13. Review status: criteria provided, single submitter. Criteria: ICSL Variant Classification Criteria 13 December 2019. Collection method: clinical testing. Allele origin: germline.

Natera, Inc.
Classification: Uncertain significance for Alport syndrome. Last evaluated: 2019-12-26. Review status: no assertion criteria provided. Collection method: clinical testing. Allele origin: germline. Not counted in ClinVar's aggregate classification.

Bioscientia Institut fuer Medizinische Diagnostik GmbH, Sonic Healthcare
Classification: Uncertain significance for Autosomal dominant Alport syndrome. Last evaluated: 2018-06-15. Review status: no assertion criteria provided. Collection method: clinical testing. Allele origin: germline. Affected: yes. Not counted in ClinVar's aggregate classification.

NM_000091.5(COL4A3):c.221C>T (p.Pro74Leu)

Genes: COL4A3 (collagen type IV alpha 3 chain; plus strand), MFF-DT (MFF divergent transcript; minus strand). Cytogenetic location: 2q36.3.
Variant type: single nucleotide variant.
Coding change: c.221C>T on transcript NM_000091.5 (MANE Select); coding-DNA position 221, C replaced by T.
Protein change: p.Pro74Leu; replaces proline 74 with leucine.
Molecular consequence: missense variant.
Genome position (GRCh38, 1-based): chr2:227,240,219, C>T. VCF-style: chr2-227240219-C-T. GRCh37 (hg19) VCF-style: chr2-228104935-C-T.
Other names: short protein forms P74L.
Identifiers: ClinVar variation 334754 (VCV000334754.22), dbSNP rs373975901, ClinGen allele CA2145944.